The following is an entry in ClinVar:

NM_004415.4(DSP):c.515A>G (p.Tyr172Cys)

Gene: DSP (desmoplakin; plus strand). Cytogenetic location: 6p24.3.
Variant type: single nucleotide variant.
Coding change: c.515A>G on transcript NM_004415.4 (MANE Select); coding-DNA position 515, A replaced by G.
Protein change: p.Tyr172Cys; replaces tyrosine 172 with cysteine.
Molecular consequence: missense variant.
Genome position (GRCh38, 1-based): chr6:7,559,318, A>G. VCF-style: chr6-7559318-A-G. GRCh37 (hg19) VCF-style: chr6-7559551-A-G.
Other names: c.515A>G, p.Tyr172Cys (NM_001008844.3, NM_001319034.2, NM_001406591.1); short protein forms Y172C.
Identifiers: ClinVar variation 4614031 (VCV004614031.2).

ClinVar aggregate classification (germline): Uncertain significance. Review status: criteria provided, multiple submitters, no conflicts (2 of 4 stars). 2 submissions from 2 submitters: Uncertain significance (2). Last evaluated 2025-11-10.

Conditions:
Cardiovascular phenotype. Identifiers: MedGen CN230736.
Arrhythmogenic cardiomyopathy with wooly hair and keratoderma. Also called: Dilated cardiomyopathy with woolly hair and keratoderma; Arrhythmogenic cardiomyopathy with woolly hair and keratoderma; PALMOPLANTAR KERATODERMA WITH LEFT VENTRICULAR CARDIOMYOPATHY AND WOOLLY HAIR; Carvajal syndrome. Identifiers: Orphanet 65282, MedGen C1854063, MONDO:0011581, OMIM 605676.
Arrhythmogenic right ventricular dysplasia 8 (ARVD8). Also called: Arrhythmogenic Right Ventricular Dysplasia/Cardiomyopathy 8; ARRHYTHMOGENIC RIGHT VENTRICULAR DYSPLASIA, FAMILIAL, 8; ARRHYTHMOGENIC RIGHT VENTRICULAR CARDIOMYOPATHY 8. Identifiers: MedGen C1843896, MONDO:0011831, OMIM 607450.

Submissions (2):

Labcorp Genetics (formerly Invitae), Labcorp
Classification: Uncertain significance for Arrhythmogenic cardiomyopathy with wooly hair and keratoderma; Arrhythmogenic right ventricular dysplasia 8. Last evaluated: 2025-11-10. Review status: criteria provided, single submitter. Criteria: Invitae Variant Classification Sherloc (09022015). Collection method: clinical testing. Allele origin: germline.
Comment: This sequence change replaces tyrosine, which is neutral and polar, with cysteine, which is neutral and slightly polar, at codon 172 of the DSP protein (p.Tyr172Cys). This variant is not present in population databases (gnomAD no frequency). This variant has not been reported in the literature in individuals affected with DSP-related conditions. An algorithm developed to predict the effect of missense changes on protein structure and function (PolyPhen-2) suggests that this variant is likely to be disruptive. In summary, the available evidence is currently insufficient to determine the role of this variant in disease. Therefore, it has been classified as a Variant of Uncertain Significance.

Ambry Genetics
Classification: Uncertain significance for Cardiovascular phenotype. Last evaluated: 2025-09-28. Review status: criteria provided, single submitter. Criteria: Ambry Variant Classification Scheme 2023. Collection method: clinical testing. Allele origin: germline.
Comment: The p.Y172C variant (also known as c.515A>G), located in coding exon 4 of the DSP gene, results from an A to G substitution at nucleotide position 515. The tyrosine at codon 172 is replaced by cysteine, an amino acid with highly dissimilar properties. This amino acid position is conserved. In addition, the in silico prediction for this alteration is inconclusive. Based on the available evidence, the clinical significance of this variant remains unclear.